The following is an entry in ClinVar:

NM_000277.3(PAH):c.510-54G>A

Gene: PAH (phenylalanine hydroxylase; minus strand). Cytogenetic location: 12q23.2.
Variant type: single nucleotide variant.
Coding change: c.510-54G>A on transcript NM_000277.3 (MANE Select); 54 bases into the intron before coding-DNA position 510, G replaced by A.
Molecular consequence: intron variant.
Genome position (GRCh38, 1-based): chr12:102,855,386, C>T on the plus strand (G>A on the coding strand, the complement: PAH is on the minus strand). VCF-style: chr12-102855386-C-T. GRCh37 (hg19) VCF-style: chr12-103249164-C-T.
Other names: c.510-54G>A (NM_001354304.2).
Identifiers: ClinVar variation 102712 (VCV000102712.7), dbSNP rs2251905, ClinGen allele CA229594.

ClinVar aggregate classification (germline): Benign. Review status: reviewed by expert panel (3 of 4 stars). 5 submissions from 5 submitters: Benign (1). 4 of the submissions do not count toward it. Last evaluated 2020-03-27.

Conditions:
Phenylketonuria (PKU). Also called: Phenylketonuria (PKU); FOLLING DISEASE; OLIGOPHRENIA PHENYLPYRUVICA; Phenylketonurias. Identifiers: Orphanet 716, MedGen C0031485, MONDO:0009861, OMIM 261600. Disease mechanism: loss of function.

Allele frequency attached by ClinVar (database versions not stated): gnomAD 0.32128 and 0.31724; 1000 Genomes Project 0.23462; 1000 Genomes Project 30x 0.23688; TOPMed 0.30179; gnomAD exomes 0.35894.
gnomAD v4.1: 527,305 of 1,489,594 alleles (35%); highest among the groups gnomAD compares: Non-Finnish European, 38%; 97,704 homozygotes.

Submissions (5):

ClinGen PAH Variant Curation Expert Panel
Classification: Benign for Phenylketonuria. Last evaluated: 2020-03-27. Review status: reviewed by expert panel. Criteria: ClinGen PAH ACMG Specifications v1. Collection method: curation. Allele origin: germline. Inheritance: Autosomal recessive inheritance.
Comment: The c.510-54G>A variant in PAH has a MAF of 0.4069 in the gnomAD European (Finnish) population. This intronic variant does not have a predicted impact on splicing. In summary this variant meets criteria to be classified as benign. PAH-specific ACMG/AMP criteria applied: BA1, BP7

Pars Genome Lab
Classification: Benign for Phenylketonuria. Last evaluated: 2021-07-01. Review status: criteria provided, single submitter. Criteria: ACMG Guidelines, 2015. Collection method: clinical testing. Allele origin: germline. Affected: no. Not counted in ClinVar's aggregate classification.

GeneDx
Classification: Benign. Last evaluated: 2018-07-27. Review status: criteria provided, single submitter. Criteria: GeneDx Variant Classification Process June 2021. Collection method: clinical testing. Allele origin: germline. Affected: yes. Not counted in ClinVar's aggregate classification.

Breakthrough Genomics
Classification: Benign. Review status: criteria provided, single submitter. Criteria: ACMG Guidelines, 2015. Collection method: not provided. Allele origin: germline. Inheritance: Autosomal recessive inheritance. Affected: yes. Not counted in ClinVar's aggregate classification.

DeBelle Laboratory for Biochemical Genetics, MUHC/MCH RESEARCH INSTITUTE
No classification provided. Review status: no classification provided. Collection method: not provided. Allele origin: not provided. Not counted in ClinVar's aggregate classification.